The following is an entry in ClinVar:

NM_001387850.1(FILIP1L):c.2811G>C (p.Pro937=)

Genes: CMSS1 (cms1 ribosomal small subunit homolog; plus strand), FILIP1L (filamin A interacting protein 1 like; minus strand), LOC105374010 (uncharacterized LOC105374010; plus strand). Cytogenetic location: 3q12.1.
Variant type: single nucleotide variant.
Coding change: c.2811G>C on transcript NM_001387850.1 (MANE Select); coding-DNA position 2811, G replaced by C.
Protein change: p.Pro937=; no amino-acid change (proline 937 retained).
Molecular consequence: synonymous variant. On other transcripts: intron variant (2).
Genome position (GRCh38, 1-based): chr3:99,848,865, C>G on the plus strand (G>C on the coding strand, the complement: FILIP1L is on the minus strand). VCF-style: chr3-99848865-C-G. GRCh37 (hg19) VCF-style: chr3-99567709-C-G.
Other names: c.2811G>C, p.Pro937= (NM_001042459.3, NM_182909.4); c.1539G>C, p.Pro513= (NM_001282793.2); c.2091G>C, p.Pro697= (NM_001282794.2, NM_001370247.1, NM_001387851.1 and 1 more transcripts); c.64+30822C>G (NM_032359.4); c.606-18260G>C (NM_001387852.1).
Identifiers: ClinVar variation 3050131 (VCV003050131.2), dbSNP rs114299850, ClinGen allele CA2513379.

ClinVar aggregate classification (germline): Likely benign (0 of 4 stars; one submission).

Conditions:
FILIP1L-related disorder. Also called: FILIP1L-related condition.

Allele frequency attached by ClinVar (database versions not stated): 1000 Genomes Project 30x 0.00016; 1000 Genomes Project 0.00020; ExAC 0.00027; TOPMed 0.00090; ESP Exome Variant Server 0.00105.
gnomAD v4.1: 218 of 1,613,958 alleles (0.014%); highest among the groups gnomAD compares: African/African-American, 0.26%; no homozygotes.

Submission:

PreventionGenetics, part of Exact Sciences
Classification: Likely benign for FILIP1L-related condition. Last evaluated: 2019-07-16. Review status: no assertion criteria provided. Collection method: clinical testing. Allele origin: germline.
Comment: This variant is classified as likely benign based on ACMG/AMP sequence variant interpretation guidelines (Richards et al. 2015 PMID: 25741868, with internal and published modifications).